The following is an entry in ClinVar:

NM_006904.7(PRKDC):c.10241T>C (p.Met3414Thr)

Gene: PRKDC (protein kinase, DNA-activated, catalytic subunit; minus strand). Cytogenetic location: 8q11.21.
Variant type: single nucleotide variant.
Coding change: c.10241T>C on transcript NM_006904.7 (MANE Select); coding-DNA position 10241, T replaced by C.
Protein change: p.Met3414Thr; replaces methionine 3414 with threonine.
Molecular consequence: missense variant.
Genome position (GRCh38, 1-based): chr8:47,799,266, A>G on the plus strand (T>C on the coding strand, the complement: PRKDC is on the minus strand). VCF-style: chr8-47799266-A-G. GRCh37 (hg19) VCF-style: chr8-48711827-A-G.
Other names: c.10241T>C, p.Met3414Thr (NM_001081640.2); short protein forms M3414T.
Identifiers: ClinVar variation 1402907 (VCV001402907.3), dbSNP rs375012835, ClinGen allele CA4739367.

ClinVar aggregate classification (germline): Uncertain significance (1 of 4 stars; one submission).

Conditions:
Severe combined immunodeficiency due to DNA-PKcs deficiency. Also called: IMMUNODEFICIENCY 26 WITH NEUROLOGIC ABNORMALITIES; Immunodeficiency 26 with or without neurologic abnormalities. Identifiers: Orphanet 317425, MedGen C4014833, MONDO:0014423, OMIM 615966.

Allele frequency attached by ClinVar (database versions not stated): ExAC 0.00002; gnomAD exomes 0.00002 and 0.00003; TOPMed 0.00002; gnomAD 0.00004; ESP Exome Variant Server 0.00008.
gnomAD v4.1: 32 of 1,613,776 alleles (0.002%); highest among the groups gnomAD compares: Non-Finnish European, 0.0024%; no homozygotes.

Submission:

Labcorp Genetics (formerly Invitae), Labcorp
Classification: Uncertain significance for Severe combined immunodeficiency due to DNA-PKcs deficiency. Last evaluated: 2021-10-22. Review status: criteria provided, single submitter. Criteria: Invitae Variant Classification Sherloc (09022015). Collection method: clinical testing. Allele origin: germline.
Comment: This sequence change replaces methionine with threonine at codon 3414 of the PRKDC protein (p.Met3414Thr). The methionine residue is highly conserved and there is a moderate physicochemical difference between methionine and threonine. This variant is present in population databases (rs375012835, ExAC 0.004%). This variant has not been reported in the literature in individuals affected with PRKDC-related conditions. Experimental studies and prediction algorithms are not available or were not evaluated, and the functional significance of this variant is currently unknown. In summary, the available evidence is currently insufficient to determine the role of this variant in disease. Therefore, it has been classified as a Variant of Uncertain Significance.